The following is an entry in ClinVar:

NM_000083.3(CLCN1):c.817G>A (p.Val273Met)

Gene: CLCN1 (chloride voltage-gated channel 1; plus strand). Cytogenetic location: 7q34.
Variant type: single nucleotide variant.
Coding change: c.817G>A on transcript NM_000083.3 (MANE Select); coding-DNA position 817, G replaced by A.
Protein change: p.Val273Met; replaces valine 273 with methionine.
Molecular consequence: missense variant. On other transcripts: non-coding transcript variant (1).
Genome position (GRCh38, 1-based): chr7:143,324,456, G>A. VCF-style: chr7-143324456-G-A. GRCh37 (hg19) VCF-style: chr7-143021549-G-A.
Other names: short protein forms V273M.
Identifiers: ClinVar variation 663722 (VCV000663722.48), dbSNP rs921162119, ClinGen allele CA168258821.

ClinVar aggregate classification (germline): Pathogenic. Review status: criteria provided, multiple submitters, no conflicts (2 of 4 stars). 2 submissions from 2 submitters: Pathogenic (2). Last evaluated 2025-08-03.

Conditions:
Congenital myotonia, autosomal dominant form (THD). Also called: THOMSEN DISEASE; Myotonia congenita autosomal dominant. Identifiers: Orphanet 614, MedGen C2936781, MONDO:0008055, OMIM 160800.
Congenital myotonia, autosomal recessive form. Also called: myotonia congenita, autosomal recessive; Becker Generalized Myotonia; BECKER DISEASE. Identifiers: Orphanet 614, MedGen C0751360, MONDO:0009715, OMIM 255700.

Allele frequency attached by ClinVar (database versions not stated): gnomAD 0.00001; gnomAD exomes 0.00001; TOPMed 0.00001.
gnomAD v4.1: 11 of 1,613,854 alleles (0.00068%); highest among the groups gnomAD compares: Non-Finnish European, 0.00093%; no homozygotes.

Submissions (2):

Labcorp Genetics (formerly Invitae), Labcorp
Classification: Pathogenic for Congenital myotonia, autosomal recessive form; Congenital myotonia, autosomal dominant form. Last evaluated: 2025-08-03. Review status: criteria provided, single submitter. Criteria: Invitae Variant Classification Sherloc (09022015). Collection method: clinical testing. Allele origin: germline.
Comment: This sequence change replaces valine, which is neutral and non-polar, with methionine, which is neutral and non-polar, at codon 273 of the CLCN1 protein (p.Val273Met). This variant is present in population databases (no rsID available, gnomAD 0.0009%). This missense change has been observed in individuals with autosomal recessive myotonia congenita (PMID: 27614575, 32117024, 34529042). It has also been observed to segregate with disease in related individuals. This variant has been reported in individual(s) with autosomal dominant myotonia congenita (PMID: 32117024); however, the role of the variant in this condition is currently unclear. ClinVar contains an entry for this variant (Variation ID: 663722). Invitae Evidence Modeling of protein sequence and biophysical properties (such as structural, functional, and spatial information, amino acid conservation, physicochemical variation, residue mobility, and thermodynamic stability) indicates that this missense variant is expected to disrupt CLCN1 protein function with a positive predictive value of 95%. For these reasons, this variant has been classified as Pathogenic.

CeGaT Center for Human Genetics Tuebingen
Classification: Pathogenic. Last evaluated: 2018-06-01. Review status: criteria provided, single submitter. Criteria: CeGaT Center For Human Genetics Tuebingen Variant Classification Criteria Version 2. Collection method: clinical testing. Allele origin: germline. Affected: yes. Observed: 1 variant allele.

Literature cited by the submitters: PubMed 27614575 (cited by Labcorp Genetics (formerly Invitae), Labcorp); PubMed 32117024 (cited by Labcorp Genetics (formerly Invitae), Labcorp); PubMed 34529042 (cited by Labcorp Genetics (formerly Invitae), Labcorp).